The following is an entry in ClinVar:

NM_032119.4(ADGRV1):c.16385T>C (p.Val5462Ala)

Gene: ADGRV1 (adhesion G protein-coupled receptor V1; plus strand). Cytogenetic location: 5q14.3.
Variant type: single nucleotide variant.
Coding change: c.16385T>C on transcript NM_032119.4 (MANE Select); coding-DNA position 16385, T replaced by C.
Protein change: p.Val5462Ala; replaces valine 5462 with alanine.
Molecular consequence: missense variant. On other transcripts: non-coding transcript variant (1).
Genome position (GRCh38, 1-based): chr5:90,828,960, T>C. VCF-style: chr5-90828960-T-C. GRCh37 (hg19) VCF-style: chr5-90124777-T-C.
Other names: short protein forms V5462A.
Identifiers: ClinVar variation 1516893 (VCV001516893.6), dbSNP rs1390438462, ClinGen allele CA360426670.

ClinVar aggregate classification (germline): Uncertain significance (1 of 4 stars; one submission).

Allele frequency attached by ClinVar (database versions not stated): gnomAD exomes below 0.00001.
gnomAD v4.1: 2 of 1,580,758 alleles (0.00013%); highest among the groups gnomAD compares: Non-Finnish European, 0.00017%; no homozygotes.

Submission:

Labcorp Genetics (formerly Invitae), Labcorp
Classification: Uncertain significance. Last evaluated: 2022-07-19. Review status: criteria provided, single submitter. Criteria: Invitae Variant Classification Sherloc (09022015). Collection method: clinical testing. Allele origin: germline.
Comment: In summary, the available evidence is currently insufficient to determine the role of this variant in disease. Therefore, it has been classified as a Variant of Uncertain Significance. Algorithms developed to predict the effect of missense changes on protein structure and function (SIFT, PolyPhen-2, Align-GVGD) all suggest that this variant is likely to be tolerated. This variant has not been reported in the literature in individuals affected with ADGRV1-related conditions. This variant is not present in population databases (gnomAD no frequency). This sequence change replaces valine, which is neutral and non-polar, with alanine, which is neutral and non-polar, at codon 5462 of the ADGRV1 protein (p.Val5462Ala).